The following is an entry in ClinVar:

NM_001378454.1(ALMS1):c.591A>C (p.Gln197His)

Gene: ALMS1 (ALMS1 centrosome and basal body associated protein; plus strand). Cytogenetic location: 2p13.1.
Variant type: single nucleotide variant.
Coding change: c.591A>C on transcript NM_001378454.1 (MANE Select); coding-DNA position 591, A replaced by C.
Protein change: p.Gln197His; replaces glutamine 197 with histidine.
Molecular consequence: missense variant.
Genome position (GRCh38, 1-based): chr2:73,419,263, A>C. VCF-style: chr2-73419263-A-C. GRCh37 (hg19) VCF-style: chr2-73646391-A-C.
Other names: c.594A>C, p.Gln198His (NM_015120.4); short protein forms Q197H, Q198H.
Identifiers: ClinVar variation 1750655 (VCV001750655.4), dbSNP rs373438786, ClinGen allele CA347259233.

ClinVar aggregate classification (germline): Uncertain significance. Review status: criteria provided, multiple submitters, no conflicts (2 of 4 stars). 2 submissions from 2 submitters: Uncertain significance (2). Last evaluated 2022-04-09.

Conditions:
Cardiovascular phenotype. Identifiers: MedGen CN230736.
Alstrom syndrome (ALMS). Identifiers: Orphanet 64, MedGen C0268425, MONDO:0008763, OMIM 203800.

gnomAD v4.1: 3 of 1,614,084 alleles (0.00019%); highest among the groups gnomAD compares: South Asian, 0.0022%; no homozygotes.

Submissions (2):

Labcorp Genetics (formerly Invitae), Labcorp
Classification: Uncertain significance for Alstrom syndrome. Last evaluated: 2022-04-09. Review status: criteria provided, single submitter. Criteria: Invitae Variant Classification Sherloc (09022015). Collection method: clinical testing. Allele origin: germline.
Comment: This sequence change replaces glutamine, which is neutral and polar, with histidine, which is basic and polar, at codon 198 of the ALMS1 protein (p.Gln198His). This variant is present in population databases (no rsID available, gnomAD 0.0009%). This variant has not been reported in the literature in individuals affected with ALMS1-related conditions. Experimental studies and prediction algorithms are not available or were not evaluated, and the functional significance of this variant is currently unknown. In summary, the available evidence is currently insufficient to determine the role of this variant in disease. Therefore, it has been classified as a Variant of Uncertain Significance.

Ambry Genetics
Classification: Uncertain significance for Cardiovascular phenotype. Last evaluated: 2019-12-16. Review status: criteria provided, single submitter. Criteria: Ambry Variant Classification Scheme 2023. Collection method: clinical testing. Allele origin: germline.
Comment: The p.Q198H variant (also known as c.594A>C), located in coding exon 3 of the ALMS1 gene, results from an A to C substitution at nucleotide position 594. The glutamine at codon 198 is replaced by histidine, an amino acid with highly similar properties. This amino acid position is well conserved in available vertebrate species; however, histidine is the reference amino acid in other vertebrate species. In addition, this alteration is predicted to be tolerated by in silico analysis. Since supporting evidence is limited at this time, the clinical significance of this alteration remains unclear.